The following is an entry in ClinVar:

NM_015274.3(MAN2B2):c.1232G>A (p.Arg411His)

Gene: MAN2B2 (mannosidase alpha class 2B member 2; plus strand). Cytogenetic location: 4p16.1.
Variant type: single nucleotide variant.
Coding change: c.1232G>A on transcript NM_015274.3 (MANE Select); coding-DNA position 1232, G replaced by A.
Protein change: p.Arg411His; replaces arginine 411 with histidine.
Molecular consequence: missense variant.
Genome position (GRCh38, 1-based): chr4:6,597,287, G>A. VCF-style: chr4-6597287-G-A. GRCh37 (hg19) VCF-style: chr4-6599014-G-A.
Other names: c.1079G>A, p.Arg360His (NM_001292038.2); short protein forms R411H, R360H.
Identifiers: ClinVar variation 2307147 (VCV002307147.29), dbSNP rs764591691, ClinGen allele CA2840862.
Genomic context (GRCh38, chr4:6,597,287, plus strand): 5'-GGCCGGCCCCCCGTGGGCATCTGGACCCCACCTGGGCCCTGCAGCAGCTCCAGCAGCTTC[G>A]CTGGGCCGTCTCCGAGGTAACACCACATTTAGCCACAGTGGCAGGATTGGAACCTCCCAT-3'
Protein context (NP_056089.1, residues 401-421): TWALQQLQQL[Arg411His]WAVSEVQHHD

ClinVar aggregate classification (germline): Uncertain significance. Review status: criteria provided, multiple submitters, no conflicts (2 of 4 stars). 2 submissions from 2 submitters: Uncertain significance (2). Last evaluated 2025-05-15.

Allele frequency attached by ClinVar (database versions not stated): gnomAD exomes 0.00001; ExAC 0.00002; gnomAD 0.00003; TOPMed 0.00004.
gnomAD v4.1: 25 of 1,555,716 alleles (0.0016%); highest among the groups gnomAD compares: Middle Eastern, 0.017%; no homozygotes.

Submissions (2):

Ambry Genetics
Classification: Uncertain significance. Last evaluated: 2025-05-15. Review status: criteria provided, single submitter. Criteria: Ambry Variant Classification Scheme 2023. Collection method: clinical testing. Allele origin: germline.

CeGaT Center for Human Genetics Tuebingen
Classification: Uncertain significance. Last evaluated: 2023-06-01. Review status: criteria provided, single submitter. Criteria: CeGaT Center For Human Genetics Tuebingen Variant Classification Criteria Version 2. Collection method: clinical testing. Allele origin: germline. Affected: yes. Observed: 1 variant allele.
Comment: MAN2B2: PM2